The following is an entry in ClinVar:

NM_015178.3(RHOBTB2):c.1627T>G (p.Phe543Val)

Gene: RHOBTB2 (Rho related BTB domain containing 2; plus strand). Cytogenetic location: 8p21.3.
Variant type: single nucleotide variant.
Coding change: c.1627T>G on transcript NM_015178.3 (MANE Select); coding-DNA position 1627, T replaced by G.
Protein change: p.Phe543Val; replaces phenylalanine 543 with valine.
Molecular consequence: missense variant.
Genome position (GRCh38, 1-based): chr8:23,010,544, T>G. VCF-style: chr8-23010544-T-G. GRCh37 (hg19) VCF-style: chr8-22868057-T-G.
Other names: c.1693T>G, p.Phe565Val (NM_001160036.2); c.1648T>G, p.Phe550Val (NM_001160037.2); c.1627T>G, p.Phe543Val (NM_001374791.1); c.1693T>G (NM_001160036.1); short protein forms F543V, F550V, F565V.
Identifiers: ClinVar variation 1918452 (VCV001918452.8), dbSNP rs755258842, ClinGen allele CA4672723.

ClinVar aggregate classification (germline): Uncertain significance. Review status: criteria provided, multiple submitters, no conflicts (2 of 4 stars). 3 submissions from 3 submitters: Uncertain significance (3). Last evaluated 2025-11-08.

Conditions:
Inborn genetic diseases. Identifiers: MedGen C0950123, MeSH D030342.

Allele frequency attached by ClinVar (database versions not stated): gnomAD exomes below 0.00001; TOPMed below 0.00001; ExAC 0.00001.
gnomAD v4.1: 7 of 1,612,934 alleles (0.00043%); highest among the groups gnomAD compares: Non-Finnish European, 0.00051%; no homozygotes.

Submissions (3):

Dasa
Classification: Uncertain significance. Last evaluated: 2025-11-08. Review status: criteria provided, single submitter. Criteria: DASA Assertion Criteria. Collection method: clinical testing. Allele origin: germline.
Comment: NM_015178.3(RHOBTB2):c.1627T>G (p.Phe543Val) is a missense variant that results in the substitution of phenylalanine with valine. This variant is rare in population databases. The currently available literature and clinical evidence are not sufficient to establish a definitive association between this variant and the reported condition. Therefore, this variant is classified as a variant of uncertain significance.

Ambry Genetics
Classification: Uncertain significance for Inborn genetic diseases. Last evaluated: 2024-07-28. Review status: criteria provided, single submitter. Criteria: Ambry Variant Classification Scheme 2023. Collection method: clinical testing. Allele origin: germline.

Labcorp Genetics (formerly Invitae), Labcorp
Classification: Uncertain significance. Last evaluated: 2024-01-30. Review status: criteria provided, single submitter. Criteria: Invitae Variant Classification Sherloc (09022015). Collection method: clinical testing. Allele origin: germline.
Comment: This sequence change replaces phenylalanine, which is neutral and non-polar, with valine, which is neutral and non-polar, at codon 565 of the RHOBTB2 protein (p.Phe565Val). This variant is present in population databases (rs755258842, gnomAD 0.002%). This variant has not been reported in the literature in individuals affected with RHOBTB2-related conditions. ClinVar contains an entry for this variant (Variation ID: 1918452). Advanced modeling of protein sequence and biophysical properties (such as structural, functional, and spatial information, amino acid conservation, physicochemical variation, residue mobility, and thermodynamic stability) performed at Invitae indicates that this missense variant is not expected to disrupt RHOBTB2 protein function with a negative predictive value of 80%. In summary, the available evidence is currently insufficient to determine the role of this variant in disease. Therefore, it has been classified as a Variant of Uncertain Significance.